The following is an entry in ClinVar:

NM_001355436.2(SPTB):c.2024del (p.Leu675fs)

Gene: SPTB (spectrin beta, erythrocytic; minus strand). Cytogenetic location: 14q23.3.
Variant type: Deletion.
Coding change: c.2024del on transcript NM_001355436.2 (MANE Select); coding-DNA position 2024, one base deleted (T; older notation c.2024delT).
Protein change: p.Leu675fs; shifts the reading frame from leucine 675.
Molecular consequence: frameshift variant.
Genome position (GRCh38, 1-based): chr14:64,793,639, A deleted on the plus strand (T on the coding strand, the reverse complement: SPTB is on the minus strand); the first of 2 consecutive A bases (chr14:64,793,639-64,793,640); deleting either gives the same sequence. VCF-style (leftmost placement, unchanged base first): chr14-64793638-TA-T. GRCh37 (hg19) VCF-style: chr14-65260356-TA-T.
Other names: c.2024del, p.Leu675fs (NM_001024858.4, NM_001355437.2); short protein forms L675fs.
Identifiers: ClinVar variation 2683475 (VCV002683475.1), dbSNP rs2503161325, ClinGen allele CA2697553962.

ClinVar aggregate classification (germline): Likely pathogenic (1 of 4 stars; one submission).

Submission:

Mayo Clinic Laboratories, Mayo Clinic
Classification: Likely pathogenic. Last evaluated: 2023-01-17. Review status: criteria provided, single submitter. Criteria: ACMG Guidelines, 2015. Collection method: clinical testing. Allele origin: germline. Observed: 1 variant allele.
Comment: PM2, PVS1